The following is an entry in ClinVar:

ClinVar aggregate classification (germline): Uncertain significance. Review status: criteria provided, multiple submitters, no conflicts (2 of 4 stars). 6 submissions from 6 submitters: Uncertain significance (5). 1 of the submissions does not count toward it. Last evaluated 2026-02-01.

Conditions:
RYR1-related disorder. Also called: RYR1-related condition; RYR1-related disorders. Identifiers: MedGen CN239331.
Malignant hyperthermia, susceptibility to, 1 (MHS1). Also called: Anesthesia related hyperthermia; Malignant hyperpyrexia; Fulminating hyperpyrexia; Pharmacogenic myopathy; RYR1-Related Malignant Hyperthermia Susceptibility; Malignant hyperthermia suceptibility 1. Identifiers: Orphanet 423, MedGen C2930980, MONDO:0007783, OMIM 145600.

Allele frequency attached by ClinVar (database versions not stated): gnomAD exomes 0.00001; TOPMed 0.00001; gnomAD 0.00003.
gnomAD v4.1: 18 of 1,613,852 alleles (0.0011%); highest among the groups gnomAD compares: South Asian, 0.0022%; no homozygotes.

Submissions (6):

CeGaT Center for Human Genetics Tuebingen
Classification: Uncertain significance. Last evaluated: 2026-02-01. Review status: criteria provided, single submitter. Criteria: CeGaT Center For Human Genetics Tuebingen Variant Classification Criteria Version 2. Collection method: clinical testing. Allele origin: germline. Affected: yes. Observed: 1 variant allele.
Comment: RYR1: PM2, PP3

Labcorp Genetics (formerly Invitae), Labcorp
Classification: Uncertain significance for RYR1-related disorder. Last evaluated: 2025-07-13. Review status: criteria provided, single submitter. Criteria: Invitae Variant Classification Sherloc (09022015). Collection method: clinical testing. Allele origin: germline.
Comment: This sequence change replaces threonine, which is neutral and polar, with methionine, which is neutral and non-polar, at codon 4690 of the RYR1 protein (p.Thr4690Met). This variant is not present in population databases (gnomAD no frequency). This variant has not been reported in the literature in individuals affected with RYR1-related conditions. ClinVar contains an entry for this variant (Variation ID: 2435600). Invitae Evidence Modeling of protein sequence and biophysical properties (such as structural, functional, and spatial information, amino acid conservation, physicochemical variation, residue mobility, and thermodynamic stability) indicates that this missense variant is not expected to disrupt RYR1 protein function with a negative predictive value of 80%. In summary, the available evidence is currently insufficient to determine the role of this variant in disease. Therefore, it has been classified as a Variant of Uncertain Significance.

Women's Health and Genetics/Laboratory Corporation of America, LabCorp
Classification: Uncertain significance. Last evaluated: 2024-04-23. Review status: criteria provided, single submitter. Criteria: LabCorp Variant Classification Summary - May 2015. Collection method: clinical testing. Allele origin: germline.
Comment: Variant summary: RYR1 c.14069C>T (p.Thr4690Met) results in a non-conservative amino acid change in the encoded protein sequence. Five of five in-silico tools predict a damaging effect of the variant on protein function. The variant was absent in 251362 control chromosomes (gnomAD). The available data on variant occurrences in the general population are insufficient to allow any conclusion about variant significance. To our knowledge, no occurrence of c.14069C>T in individuals affected with Myopathy, RYR1-Associated and no experimental evidence demonstrating its impact on protein function have been reported. ClinVar contains an entry for this variant (Variation ID: 2435600). Based on the evidence outlined above, the variant was classified as uncertain significance.

Color Diagnostics, LLC DBA Color Health
Classification: Uncertain significance for Malignant hyperthermia, susceptibility to, 1. Last evaluated: 2024-01-31. Review status: criteria provided, single submitter. Criteria: ACMG Guidelines, 2015. Collection method: clinical testing. Allele origin: germline.
Comment: This missense variant replaces threonine with methionine at codon 4690 of the RYR1 protein. Computational prediction suggests that this variant may have deleterious impact on protein structure and function. To our knowledge, functional studies have not been reported for this variant. This variant has not been reported in individuals affected with RYR1-related disorders in the literature. This variant has not been identified in the general population by the Genome Aggregation Database (gnomAD). The available evidence is insufficient to determine the role of this variant in disease conclusively. Therefore, this variant is classified as a Variant of Uncertain Significance.

Revvity Omics, Revvity
Classification: Uncertain significance. Last evaluated: 2022-09-19. Review status: criteria provided, single submitter. Criteria: ACMG Guidelines, 2015. Collection method: clinical testing. Allele origin: germline.

PreventionGenetics, part of Exact Sciences
Classification: Uncertain significance for RYR1-related condition. Last evaluated: 2024-01-11. Review status: no assertion criteria provided. Collection method: clinical testing. Allele origin: germline. Not counted in ClinVar's aggregate classification.
Comment: The RYR1 c.14069C>T variant is predicted to result in the amino acid substitution p.Thr4690Met. To our knowledge, this variant has not been reported in the literature or in a large population database, indicating this variant is rare. At this time, the clinical significance of this variant is uncertain due to the absence of conclusive functional and genetic evidence.

NM_000540.3(RYR1):c.14069C>T (p.Thr4690Met)

Gene: RYR1 (ryanodine receptor 1; plus strand). Cytogenetic location: 19q13.2.
Variant type: single nucleotide variant.
Coding change: c.14069C>T on transcript NM_000540.3 (MANE Select); coding-DNA position 14069, C replaced by T.
Protein change: p.Thr4690Met; replaces threonine 4690 with methionine.
Molecular consequence: missense variant.
Genome position (GRCh38, 1-based): chr19:38,573,247, C>T. VCF-style: chr19-38573247-C-T. GRCh37 (hg19) VCF-style: chr19-39063887-C-T.
Other names: c.14054C>T, p.Thr4685Met (NM_001042723.2); short protein forms T4685M, T4690M.
Identifiers: ClinVar variation 2435600 (VCV002435600.13), dbSNP rs1210054382, ClinGen allele CA405682359.